The following is an entry in ClinVar:

NM_014804.3(KIAA0753):c.2651A>G (p.Glu884Gly)

Gene: KIAA0753 (KIAA0753; minus strand). Cytogenetic location: 17p13.1.
Variant type: single nucleotide variant.
Coding change: c.2651A>G on transcript NM_014804.3 (MANE Select); coding-DNA position 2651, A replaced by G.
Protein change: p.Glu884Gly; replaces glutamic acid 884 with glycine.
Molecular consequence: missense variant. On other transcripts: non-coding transcript variant (3).
Genome position (GRCh38, 1-based): chr17:6,589,914, T>C on the plus strand (A>G on the coding strand, the complement: KIAA0753 is on the minus strand). VCF-style: chr17-6589914-T-C. GRCh37 (hg19) VCF-style: chr17-6493234-T-C.
Other names: c.1754A>G, p.Glu585Gly (NM_001351225.2); c.2651A>G (NM_014804.2); short protein forms E585G, E884G.
Identifiers: ClinVar variation 1398814 (VCV001398814.8), dbSNP rs1186277883, ClinGen allele CA397403722.

ClinVar aggregate classification (germline): Uncertain significance. Review status: criteria provided, multiple submitters, no conflicts (2 of 4 stars). 2 submissions from 2 submitters: Uncertain significance (2). Last evaluated 2026-10-23.

Allele frequency attached by ClinVar (database versions not stated): TOPMed below 0.00001.

Submissions (2):

GeneDx
Classification: Uncertain significance. Last evaluated: 2026-10-23. Review status: criteria provided, single submitter. Criteria: GeneDx Variant Classification Process June 2021. Collection method: clinical testing. Allele origin: germline.
Comment: Not observed at significant frequency in large population cohorts (gnomAD); In silico analysis suggests that this missense variant does not alter protein structure/function; Has not been previously published as pathogenic or benign to our knowledge

Labcorp Genetics (formerly Invitae), Labcorp
Classification: Uncertain significance. Last evaluated: 2021-05-25. Review status: criteria provided, single submitter. Criteria: Invitae Variant Classification Sherloc (09022015). Collection method: clinical testing. Allele origin: germline.
Comment: In summary, the available evidence is currently insufficient to determine the role of this variant in disease. Therefore, it has been classified as a Variant of Uncertain Significance. Algorithms developed to predict the effect of missense changes on protein structure and function output the following: SIFT: "Deleterious"; PolyPhen-2: "Benign"; Align-GVGD: "Class C15". The glycine amino acid residue is found in multiple mammalian species, suggesting that this missense change does not adversely affect protein function. These predictions have not been confirmed by published functional studies and their clinical significance is uncertain. This variant has not been reported in the literature in individuals with KIAA0753-related conditions. This variant is not present in population databases (ExAC no frequency). This sequence change replaces glutamic acid with glycine at codon 884 of the KIAA0753 protein (p.Glu884Gly). The glutamic acid residue is highly conserved and there is a moderate physicochemical difference between glutamic acid and glycine.